The following is an entry in ClinVar:

NM_000492.4(CFTR):c.2909-99del

Genes: CFTR (CF transmembrane conductance regulator; plus strand), CFTR-AS2 (CFTR antisense RNA 2; minus strand). Cytogenetic location: 7q31.2.
Variant type: Deletion.
Coding change: c.2909-99del on transcript NM_000492.4 (MANE Select); 99 bases into the intron before coding-DNA position 2909, one base deleted (T; older notation c.2909-99delT).
Molecular consequence: intron variant.
Genome position (GRCh38, 1-based): chr7:117,606,575, T deleted. VCF-style (leftmost placement, unchanged base first): chr7-117606574-CT-C. GRCh37 (hg19) VCF-style: chr7-117246628-CT-C.
Identifiers: ClinVar variation 1683254 (VCV001683254.1), dbSNP rs1213436263, ClinGen allele CA832115561.

ClinVar aggregate classification (germline): Uncertain significance (1 of 4 stars; one submission).

Allele frequency attached by ClinVar (database versions not stated): gnomAD 0.00001; gnomAD exomes 0.00005; TOPMed 0.00006.

Submission:

Women's Health and Genetics/Laboratory Corporation of America, LabCorp
Classification: Uncertain significance. Last evaluated: 2022-04-13. Review status: criteria provided, single submitter. Criteria: LabCorp Variant Classification Summary - May 2015. Collection method: clinical testing. Allele origin: germline.
Comment: Variant summary: CFTR c.2909-99delT is located at a position not widely known to affect splicing. 4/4 computational tools predict no significant impact on normal splicing. However, these predictions have yet to be confirmed by functional studies. The variant allele was found at a frequency of 1.3e-05 in 150896 control chromosomes (gnomAD v3.1.2). The available data on variant occurrences in the general population are insufficient to allow any conclusion about variant significance. To our knowledge, no occurrence of c.2909-99delT in individuals affected with Chronic Pancreatitis Risk and no experimental evidence demonstrating its impact on protein function have been reported. No clinical diagnostic laboratories have submitted clinical-significance assessments for this variant to ClinVar after 2014. Based on the evidence outlined above, the variant was classified as uncertain significance.